The following is an entry in ClinVar:

NM_001365999.1(SZT2):c.7511+3_7511+4del

Gene: SZT2 (SZT2 subunit of KICSTOR complex; plus strand). Cytogenetic location: 1p34.2.
Variant type: Deletion.
Coding change: c.7511+3_7511+4del on transcript NM_001365999.1 (MANE Select); bases 3 to 4 of the intron after coding-DNA position 7511, 2 bases deleted (AT; older notation c.7511+3_7511+4delAT).
Molecular consequence: splice donor variant.
Genome position (GRCh38, 1-based): chr1:43,441,383-43,441,384, AT deleted; deleting any 2 consecutive bases within chr1:43,441,382-43,441,384 gives the same sequence; the c. name uses the placement nearest the transcript's 3' end. VCF-style (leftmost placement, unchanged base first): chr1-43441381-GTA-G. GRCh37 (hg19) VCF-style: chr1-43907052-GTA-G.
Other names: c.7340+3_7340+4del (NM_015284.4).
Identifiers: ClinVar variation 3361514 (VCV003361514.3).

ClinVar aggregate classification (germline): Uncertain significance. Review status: criteria provided, multiple submitters, no conflicts (2 of 4 stars). 2 submissions from 2 submitters: Uncertain significance (2). Last evaluated 2025-11-13.

Conditions:
Developmental and epileptic encephalopathy, 18 (DEE18). Also called: Early infantile epileptic encephalopathy 18. Identifiers: Orphanet 369894, MedGen C3809624, MONDO:0014201, OMIM 615476.

Submissions (2):

GeneDx
Classification: Uncertain significance. Last evaluated: 2025-11-13. Review status: criteria provided, single submitter. Criteria: GeneDx Variant Classification Process June 2021. Collection method: clinical testing. Allele origin: germline.
Comment: Not observed at significant frequency in large population cohorts (gnomAD); In silico analysis supports a deleterious effect on splicing; Has not been previously published as pathogenic or benign to our knowledge

Pittsburgh Clinical Genomics Laboratory, University of Pittsburgh Medical Center
Classification: Uncertain significance for Developmental and epileptic encephalopathy, 18. Last evaluated: 2023-10-06. Review status: criteria provided, single submitter. Criteria: ACMG Guidelines, 2015. Collection method: clinical testing. Allele origin: germline. Inheritance: Autosomal recessive inheritance. Affected: yes.
Comment: This sequence variant is a deletion of two nucleotides (delTA) at the +3 and +4 positions downstream of exon 52 of the SZT2 gene. This variant is absent from ClinVar. This variant is present in 1 of 31388 alleles (0.0032%) in the gnomAD population dataset. Multiple splicing tools predict that this variant may impact the utilization of the acceptor splice site, and the residue at this position is highly conserved across the vertebrate species examined. Studies examining the functiol consequence of this variant have not been performed, to our knowledge. At this time, there is insufficient evidence to determine if this variant is pathogenic or benign. Therefore, we consider this a variant of uncertain significance. ACMG Criteria: PM2, PP3